The following is an entry in ClinVar:

NM_003184.4(TAF2):c.2531C>T (p.Pro844Leu)

Gene: TAF2 (TATA-box binding protein associated factor 2; minus strand). Cytogenetic location: 8q24.12.
Variant type: single nucleotide variant.
Coding change: c.2531C>T on transcript NM_003184.4 (MANE Select); coding-DNA position 2531, C replaced by T.
Protein change: p.Pro844Leu; replaces proline 844 with leucine.
Molecular consequence: missense variant.
Genome position (GRCh38, 1-based): chr8:119,762,442, G>A on the plus strand (C>T on the coding strand, the complement: TAF2 is on the minus strand). VCF-style: chr8-119762442-G-A. GRCh37 (hg19) VCF-style: chr8-120774682-G-A.
Other names: short protein forms P844L.
Identifiers: ClinVar variation 666328 (VCV000666328.9), dbSNP rs750451843, ClinGen allele CA4857059.
Genomic context (GRCh38, chr8:119,762,442, plus strand): 5'-CATATAACTTTAAAGTAAGGAATTTAATCATACCTGACAGTGATGGTATGCCTGTAACTC[G>A]GAAGAAGTTTTTCCATATTCAAAAATCTGGTGATTTCTTCAAGAATGAGTCGCACATCAG-3'
Protein context (NP_003175.2, residues 834-854): TRFLNMEKLL[Pro844Leu]SYRHTITVSC

ClinVar aggregate classification (germline): Conflicting classifications of pathogenicity. Review status: criteria provided, conflicting classifications (1 of 4 stars). 4 submissions from 4 submitters: Likely pathogenic (1); Uncertain significance (1). 2 of the submissions do not count toward it. Last evaluated 2023-12-06.

Conditions:
Microcephaly-thin corpus callosum-intellectual disability syndrome (NEDFCF). Also called: NEURODEVELOPMENTAL DISORDER WITH FEEDING DIFFICULTIES, THIN CORPUS CALLOSUM, AND FOOT DEFORMITY; Intellectual developmental disorder, autosomal recessive 40. Identifiers: Orphanet 397951, MedGen C3810080, MONDO:0014273, OMIM 615599.

Allele frequency attached by ClinVar (database versions not stated): TOPMed 0.00004; gnomAD 0.00002; ExAC 0.00003.
gnomAD v4.1: 22 of 1,613,654 alleles (0.0014%); highest among the groups gnomAD compares: Admixed American, 0.0083%; no homozygotes.

Submissions (4):

Labcorp Genetics (formerly Invitae), Labcorp
Classification: Uncertain significance. Last evaluated: 2023-12-06. Review status: criteria provided, single submitter. Criteria: Invitae Variant Classification Sherloc (09022015). Collection method: clinical testing. Allele origin: germline.
Comment: This sequence change replaces proline, which is neutral and non-polar, with leucine, which is neutral and non-polar, at codon 844 of the TAF2 protein (p.Pro844Leu). This variant is present in population databases (rs750451843, gnomAD 0.01%). This missense change has been observed in individual(s) with clinical features of TAF2-related conditions (PMID: 26757139). ClinVar contains an entry for this variant (Variation ID: 666328). Advanced modeling of protein sequence and biophysical properties (such as structural, functional, and spatial information, amino acid conservation, physicochemical variation, residue mobility, and thermodynamic stability) has been performed at Invitae for this missense variant, however the output from this modeling did not meet the statistical confidence thresholds required to predict the impact of this variant on TAF2 protein function. In summary, the available evidence is currently insufficient to determine the role of this variant in disease. Therefore, it has been classified as a Variant of Uncertain Significance.

Equipe Genetique des Anomalies du Developpement, Université de Bourgogne
Classification: Likely pathogenic for Microcephaly-thin corpus callosum-intellectual disability syndrome. Last evaluated: 2014-01-01. Review status: criteria provided, single submitter. Criteria: ACMG Guidelines, 2007. Collection method: clinical testing. Allele origin: inherited. Affected: yes.

Solve-RD Consortium
Classification: Likely pathogenic for Microcephaly-thin corpus callosum-intellectual disability syndrome. Last evaluated: 2022-06-01. Review status: no assertion criteria provided. Collection method: provider interpretation. Allele origin: inherited. Affected: yes. Not counted in ClinVar's aggregate classification.
Comment: Variant confirmed as disease-causing by referring clinical team

Variant identified during reanalysis of unsolved cases by the Solve-RD project. The Solve-RD project has received funding from the European Union’s Horizon 2020 research and innovation programme under grant agreement No 779257.

OMIM
Classification: Pathogenic for NEURODEVELOPMENTAL DISORDER WITH FEEDING DIFFICULTIES, THIN CORPUS CALLOSUM, AND FOOT DEFORMITY. Last evaluated: 2022-03-28. Review status: no assertion criteria provided. Collection method: literature only. Allele origin: germline. Not counted in ClinVar's aggregate classification.

Literature cited by the submitters: PubMed 26757139 (cited by Labcorp Genetics (formerly Invitae), Labcorp and OMIM); PubMed 39825153 (cited by Solve-RD Consortium); PubMed 34474177 (cited by OMIM).